The following is an entry in ClinVar:

NM_017636.4(TRPM4):c.2953+1G>A

Gene: TRPM4 (transient receptor potential cation channel subfamily M member 4; plus strand). Cytogenetic location: 19q13.33.
Variant type: single nucleotide variant.
Coding change: c.2953+1G>A on transcript NM_017636.4 (MANE Select); the canonical splice donor site of the intron after coding-DNA position 2953, G replaced by A.
Molecular consequence: splice donor variant.
Genome position (GRCh38, 1-based): chr19:49,200,786, G>A. VCF-style: chr19-49200786-G-A. GRCh37 (hg19) VCF-style: chr19-49704043-G-A.
Other names: c.2518+1G>A (NM_001195227.2); c.1345+1G>A (NM_001321282.2); c.2608+1G>A (NM_001321281.2); c.2431+1G>A (NM_001321283.2); c.1891+1G>A (NM_001321285.2).
Identifiers: ClinVar variation 2563497 (VCV002563497.5), dbSNP rs1212589683, ClinGen allele CA406812340.

ClinVar aggregate classification (germline): Uncertain significance. Review status: criteria provided, multiple submitters, no conflicts (2 of 4 stars). 2 submissions from 2 submitters: Uncertain significance (2). Last evaluated 2024-01-08.

Conditions:
Cardiovascular phenotype. Identifiers: MedGen CN230736.
Progressive familial heart block type IB (PFHB1B). Identifiers: Orphanet 871, MedGen C1970298, MONDO:0011474, OMIM 604559.

Allele frequency attached by ClinVar (database versions not stated): gnomAD exomes 0.00001; TOPMed 0.00001; gnomAD 0.00005.

Submissions (2):

Labcorp Genetics (formerly Invitae), Labcorp
Classification: Uncertain significance for Progressive familial heart block type IB. Last evaluated: 2024-01-08. Review status: criteria provided, single submitter. Criteria: Invitae Variant Classification Sherloc (09022015). Collection method: clinical testing. Allele origin: germline.
Comment: This sequence change affects a donor splice site in intron 19 of the TRPM4 gene. It is expected to disrupt RNA splicing. Variants that disrupt the donor or acceptor splice site typically lead to a loss of protein function (PMID: 16199547), however the current clinical and genetic evidence is not sufficient to establish whether loss-of-function variants in TRPM4 cause disease. This variant is present in population databases (no rsID available, gnomAD 0.007%). This variant has not been reported in the literature in individuals affected with TRPM4-related conditions. ClinVar contains an entry for this variant (Variation ID: 2563497). Algorithms developed to predict the effect of sequence changes on RNA splicing suggest that this variant may disrupt the consensus splice site. In summary, the available evidence is currently insufficient to determine the role of this variant in disease. Therefore, it has been classified as a Variant of Uncertain Significance.

Ambry Genetics
Classification: Uncertain significance for Cardiovascular phenotype. Last evaluated: 2023-03-27. Review status: criteria provided, single submitter. Criteria: Ambry Variant Classification Scheme 2023. Collection method: clinical testing. Allele origin: germline.
Comment: The c.2953+1G>A intronic variant results from a G to A substitution one nucleotide after coding exon 19 of the TRPM4 gene. In silico splice site analysis predicts that this alteration will weaken the native splice donor site. Alterations that disrupt the canonical splice site are expected to cause aberrant splicing, resulting in an abnormal protein or a transcript that is subject to nonsense-mediated mRNA decay. However, loss of function of TRPM4 has not been established as a mechanism of disease. Since supporting evidence is limited at this time, the clinical significance of this alteration remains unclear.

Literature cited by the submitters: PubMed 16199547 (cited by Labcorp Genetics (formerly Invitae), Labcorp).